The following is an entry in ClinVar:

NM_006031.6(PCNT):c.1732G>T (p.Val578Phe)

Gene: PCNT (pericentrin; plus strand). Cytogenetic location: 21q22.3.
Variant type: single nucleotide variant.
Coding change: c.1732G>T on transcript NM_006031.6 (MANE Select); coding-DNA position 1732, G replaced by T.
Protein change: p.Val578Phe; replaces valine 578 with phenylalanine.
Molecular consequence: missense variant.
Genome position (GRCh38, 1-based): chr21:46,354,039, G>T. VCF-style: chr21-46354039-G-T. GRCh37 (hg19) VCF-style: chr21-47773953-G-T.
Other names: c.1378G>T, p.Val460Phe (NM_001315529.2); short protein forms V460F, V578F.
Identifiers: ClinVar variation 1337417 (VCV001337417.5), dbSNP rs370083877, ClinGen allele CA410561950.

ClinVar aggregate classification (germline): Uncertain significance. Review status: criteria provided, multiple submitters, no conflicts (2 of 4 stars). 2 submissions from 2 submitters: Uncertain significance (2). Last evaluated 2025-06-04.

gnomAD v4.1: 9 of 1,614,116 alleles (0.00056%); highest among the groups gnomAD compares: Non-Finnish European, 0.00076%; no homozygotes.

Submissions (2):

Labcorp Genetics (formerly Invitae), Labcorp
Classification: Uncertain significance. Last evaluated: 2025-06-04. Review status: criteria provided, single submitter. Criteria: Invitae Variant Classification Sherloc (09022015). Collection method: clinical testing. Allele origin: germline.
Comment: This sequence change replaces valine, which is neutral and non-polar, with phenylalanine, which is neutral and non-polar, at codon 578 of the PCNT protein (p.Val578Phe). This variant is present in population databases (no rsID available, gnomAD 0.0009%). This variant has not been reported in the literature in individuals affected with PCNT-related conditions. ClinVar contains an entry for this variant (Variation ID: 1337417). An algorithm developed to predict the effect of missense changes on protein structure and function (PolyPhen-2) suggests that this variant is likely to be tolerated. In summary, the available evidence is currently insufficient to determine the role of this variant in disease. Therefore, it has been classified as a Variant of Uncertain Significance.

Genetic Services Laboratory, University of Chicago
Classification: Uncertain significance. Last evaluated: 2019-10-08. Review status: criteria provided, single submitter. Criteria: ACMG Guidelines, 2015. Collection method: clinical testing. Allele origin: germline. Affected: no.